The following is an entry in ClinVar:

NM_133261.3(GIPC3):c.122C>A (p.Thr41Lys)

Gene: GIPC3 (GIPC PDZ domain containing family member 3; plus strand). Cytogenetic location: 19p13.3.
Variant type: single nucleotide variant.
Coding change: c.122C>A on transcript NM_133261.3 (MANE Select); coding-DNA position 122, C replaced by A.
Protein change: p.Thr41Lys; replaces threonine 41 with lysine.
Molecular consequence: missense variant.
Genome position (GRCh38, 1-based): chr19:3,585,719, C>A. VCF-style: chr19-3585719-C-A. GRCh37 (hg19) VCF-style: chr19-3585717-C-A.
Other names: short protein forms T41K.
Identifiers: ClinVar variation 163502 (VCV000163502.14), dbSNP rs727503062, ClinGen allele CA176143.
Genomic context (GRCh38, chr19:3,585,719, plus strand): 5'-CGCCCGCGCCCTCGGAGCCCCCGGCCGCGCCCCGCGCCCGCCCGCGCCTCGTCTTCCGCA[C>A]GCAGCTGGCGCACGGGAGCCCCACGGGCAAGATCGAGGGCTTCACCAACGTCCGCGAGCT-3'
Protein context (NP_573568.1, residues 31-51): PRARPRLVFR[Thr41Lys]QLAHGSPTGK

ClinVar aggregate classification (germline): Pathogenic/Likely pathogenic. Review status: criteria provided, multiple submitters, no conflicts (2 of 4 stars). 7 submissions from 7 submitters: Pathogenic (1); Likely pathogenic (6). Last evaluated 2026-05-06.

Conditions:
Rare genetic deafness. Identifiers: Orphanet 96210, MedGen C5680250.
GIPC3-related disorder. Also called: GIPC3-related condition.
Autosomal recessive nonsyndromic hearing loss 15. Also called: DEAFNESS, AUTOSOMAL RECESSIVE 15; DEAFNESS, AUTOSOMAL RECESSIVE 72; DEAFNESS, AUTOSOMAL RECESSIVE 95. Identifiers: Orphanet 90636, MedGen C1866094, MONDO:0011160, OMIM 601869.

Allele frequency attached by ClinVar (database versions not stated): gnomAD 0.00001; gnomAD exomes 0.00002; TOPMed 0.00002.
gnomAD v4.1: 11 of 1,483,562 alleles (0.00074%); highest among the groups gnomAD compares: South Asian, 0.0026%; no homozygotes.

Submissions (7):

PreventionGenetics, part of Exact Sciences
Classification: Likely pathogenic for GIPC3-related condition. Last evaluated: 2026-05-06. Review status: criteria provided, single submitter. Criteria: ACMG Guidelines, 2015. Collection method: clinical testing. Allele origin: germline.
Comment: The GIPC3 c.122C>A variant is predicted to result in the amino acid substitution p.Thr41Lys. This variant was reported in the homozygous state in multiple individuals with hearing loss from several consanguineous populations and segregated with affected status in two families representing seven affected and two unaffected siblings (Ramzan et al. 2013. PubMed ID: 23510777; Table S2B, Abu Rayyan et al. 2020. PubMed ID: 32747562; Bitarafan et al. 2020. PubMed ID: 32864763). This variant is reported in 0.0028% of alleles in individuals of European (Non-Finnish) descent in gnomAD. This variant is interpreted as likely pathogenic or pathogenic in ClinVar (Variation ID: 163502). This variant is interpreted as likely pathogenic.

3billion
Classification: Likely pathogenic for Autosomal recessive nonsyndromic hearing loss 15. Last evaluated: 2025-11-30. Review status: criteria provided, single submitter. Criteria: ACMG Guidelines, 2015. Collection method: clinical testing. Allele origin: germline. Affected: yes.
Comment: The variant is observed at an extremely low frequency in the gnomAD v4.1.0 dataset (total allele frequency: <0.001%). Predicted Consequence/Location: Missense variant In silico tool predictions suggest damaging effect of the variant on gene or gene product [REVEL: 0.77 (>=0.6, sensitivity 0.68 and specificity 0.92)]. The same nucleotide change resulting in the same amino acid change has been previously reported as pathogenic/likely pathogenic with strong evidence (ClinVar ID: VCV000163502 /PMID: 23510777). Therefore, this variant is classified as Likely pathogenic according to the recommendation of ACMG/AMP guideline.

Daryl Scott Lab, Baylor College of Medicine
Classification: Likely pathogenic for Autosomal recessive nonsyndromic hearing loss 15. Last evaluated: 2024-01-01. Review status: criteria provided, single submitter. Criteria: ACMG Guidelines, 2015. Collection method: clinical testing. Allele origin: biparental. Affected: yes. Observed: 1 homozygote.
Comment: PS4, PM2, PP1, PP3

Kariminejad - Najmabadi Pathology & Genetics Center
Classification: Likely pathogenic for Autosomal recessive nonsyndromic hearing loss 15. Last evaluated: 2023-06-17. Review status: criteria provided, single submitter. Criteria: ACMG Guidelines, 2015. Collection method: clinical testing. Allele origin: germline. Inheritance: Autosomal recessive inheritance. Affected: yes.
Comment: Now, we have found stronger evidence of pathogenicity and changed this variant classification from uncertain significance to likely pathogenic (PM2,PM3_Moderate ,PP3_Moderate; according to ACMG Guidelines, 2015)

Labcorp Genetics (formerly Invitae), Labcorp
Classification: Pathogenic. Last evaluated: 2023-05-21. Review status: criteria provided, single submitter. Criteria: Invitae Variant Classification Sherloc (09022015). Collection method: clinical testing. Allele origin: germline.
Comment: This sequence change replaces threonine, which is neutral and polar, with lysine, which is basic and polar, at codon 41 of the GIPC3 protein (p.Thr41Lys). The frequency data for this variant in the population databases is considered unreliable, as metrics indicate poor data quality at this position in the gnomAD database. This missense change has been observed in individuals with nonsyndromic deafness (PMID: 23510777, 32747562, 32864763). It has also been observed to segregate with disease in related individuals. ClinVar contains an entry for this variant (Variation ID: 163502). Advanced modeling of protein sequence and biophysical properties (such as structural, functional, and spatial information, amino acid conservation, physicochemical variation, residue mobility, and thermodynamic stability) performed at Invitae indicates that this missense variant is not expected to disrupt GIPC3 protein function. For these reasons, this variant has been classified as Pathogenic.

GeneDx
Classification: Likely pathogenic. Last evaluated: 2023-03-08. Review status: criteria provided, single submitter. Criteria: GeneDx Variant Classification Process June 2021. Collection method: clinical testing. Allele origin: germline. Affected: yes.
Comment: Not observed at significant frequency in large population cohorts (gnomAD); In silico analysis supports that this missense variant has a deleterious effect on protein structure/function; This variant is associated with the following publications: (PMID: 31589614, 32864763, 23510777, 32747562)

Laboratory for Molecular Medicine, Mass General Brigham Personalized Medicine
Classification: Likely pathogenic for Rare genetic deafness. Last evaluated: 2016-05-18. Review status: criteria provided, single submitter. Criteria: LMM Criteria. Collection method: clinical testing. Allele origin: germline. Inheritance: Autosomal recessive inheritance. Observed: 4 variant alleles.
Comment: The p.Thr41Lys variant in GIPC3 has been previously identified in one consanguin eous Saudi Arabian family with prelingual severe to profound sensorineural heari ng loss and was not identified among 400 ethnically matched control chromosomes (Ramzan 2013). The Thr41Lys variant segregated in the homozygous state in five a ffected siblings, while the parents and two unaffected siblings were either hete rozygous for the variant or were wild-type (Ramzan 2013). However, the reported segregation data cannot rule out linkage disequilibrium between the Thr41Lys var iant and another causative variant. In summary, although additional studies are required to fully establish its clinical significance, this variant is likely pa thogenic based on the segregation data from the previously reported family.

Literature cited by the submitters: PubMed 23510777 (cited by 3 submitters); PubMed 32747562 (cited by Labcorp Genetics (formerly Invitae), Labcorp); PubMed 32864763 (cited by Labcorp Genetics (formerly Invitae), Labcorp).